The following is an entry in ClinVar:

ClinVar aggregate classification (germline): Uncertain significance. Review status: criteria provided, multiple submitters, no conflicts (2 of 4 stars). 2 submissions from 2 submitters: Uncertain significance (2). Last evaluated 2026-01-05.

Allele frequency attached by ClinVar (database versions not stated): gnomAD exomes 0.00011; ExAC 0.00015; gnomAD 0.00036; TOPMed 0.00043; 1000 Genomes Project 0.00080; 1000 Genomes Project 30x 0.00094.

Submissions (2):

Labcorp Genetics (formerly Invitae), Labcorp
Classification: Uncertain significance. Last evaluated: 2026-01-05. Review status: criteria provided, single submitter. Criteria: Invitae Variant Classification Sherloc (09022015). Collection method: clinical testing. Allele origin: germline.
Comment: This sequence change replaces arginine, which is basic and polar, with glycine, which is neutral and non-polar, at codon 634 of the CARMIL2 protein (p.Arg634Gly). This variant is present in population databases (rs201500298, gnomAD 0.1%). This variant has not been reported in the literature in individuals affected with CARMIL2-related conditions. ClinVar contains an entry for this variant (Variation ID: 1444816). Invitae Evidence Modeling of protein sequence and biophysical properties (such as structural, functional, and spatial information, amino acid conservation, physicochemical variation, residue mobility, and thermodynamic stability) indicates that this missense variant is not expected to disrupt CARMIL2 protein function with a negative predictive value of 80%. In summary, the available evidence is currently insufficient to determine the role of this variant in disease. Therefore, it has been classified as a Variant of Uncertain Significance.

Blueprint Genetics
Classification: Uncertain significance. Last evaluated: 2024-05-29. Review status: criteria provided, single submitter. Criteria: ACMG Guidelines, 2015. Collection method: clinical testing. Allele origin: germline.

NM_001013838.3(CARMIL2):c.1900C>G (p.Arg634Gly)

Gene: CARMIL2 (capping protein regulator and myosin 1 linker 2; plus strand). Cytogenetic location: 16q22.1.
Variant type: single nucleotide variant.
Coding change: c.1900C>G on transcript NM_001013838.3 (MANE Select); coding-DNA position 1900, C replaced by G.
Protein change: p.Arg634Gly; replaces arginine 634 with glycine.
Molecular consequence: missense variant.
Genome position (GRCh38, 1-based): chr16:67,649,600, C>G. VCF-style: chr16-67649600-C-G. GRCh37 (hg19) VCF-style: chr16-67683503-C-G.
Other names: c.1792C>G, p.Arg598Gly (NM_001317026.3); short protein forms R634G, R598G.
Identifiers: ClinVar variation 1444816 (VCV001444816.5), dbSNP rs201500298, ClinGen allele CA8113587.